The following is an entry in ClinVar:

ClinVar aggregate classification (germline): Uncertain significance (1 of 4 stars; one submission).

Conditions:
Cardiomyopathy (CMYO). Also called: Cardiomyopathies. Identifiers: Orphanet 167848, MedGen C0878544, MONDO:0004994, HP:0001638. Inheritance: Various modes of inheritance.

Submission:

Color Diagnostics, LLC DBA Color Health
Classification: Uncertain significance for Cardiomyopathy. Last evaluated: 2023-12-05. Review status: criteria provided, single submitter. Criteria: ACMG Guidelines, 2015. Collection method: clinical testing. Allele origin: germline.
Comment: Variant of Uncertain Significance due to insufficient evidence: This missense variant is located in the LMM domain of the MYH7 protein, a C-terminal tail region that forms the thick filament backbone and interacts with other proteins. Computational prediction tools and conservation analyses suggest that this variant may not impact the protein function. Computational splicing tools suggest that this variant may not impact RNA splicing. To our knowledge, functional assays have not been performed for this variant nor has this variant been reported in individuals affected with cardiovascular disorders in the literature. This variant is rare in the general population and has been identified in 0/277264 chromosomes by the Genome Aggregation Database (gnomAD). Available evidence is insufficient to determine the pathogenicity of this variant conclusively.

NM_000257.4(MYH7):c.3783C>G (p.Ser1261Arg)

Gene: MYH7 (myosin heavy chain 7; minus strand). Cytogenetic location: 14q11.2.
Variant type: single nucleotide variant.
Coding change: c.3783C>G on transcript NM_000257.4 (MANE Select); coding-DNA position 3783, C replaced by G.
Protein change: p.Ser1261Arg; replaces serine 1261 with arginine.
Molecular consequence: missense variant.
Genome position (GRCh38, 1-based): chr14:23,419,553, G>C on the plus strand (C>G on the coding strand, the complement: MYH7 is on the minus strand). VCF-style: chr14-23419553-G-C. GRCh37 (hg19) VCF-style: chr14-23888762-G-C.
Other names: short protein forms S1261R.
Identifiers: ClinVar variation 629773 (VCV000629773.4), dbSNP rs1566527289, ClinGen allele CA389042641.